The following is an entry in ClinVar:

NM_174916.3(UBR1):c.4428_4431del (p.Phe1476fs)

Gene: UBR1 (ubiquitin protein ligase E3 component n-recognin 1; minus strand). Cytogenetic location: 15q15.2.
Variant type: Microsatellite.
Coding change: c.4428_4431del on transcript NM_174916.3 (MANE Select); coding-DNA positions 4428 to 4431, 4 bases deleted (CTTT; older notation c.4428_4431delCTTT).
Protein change: p.Phe1476fs; shifts the reading frame from phenylalanine 1476.
Molecular consequence: frameshift variant.
Genome position (GRCh38, 1-based): chr15:42,970,546-42,970,549, AAAG deleted on the plus strand (CTTT on the coding strand, the reverse complement: UBR1 is on the minus strand); deleting any 4 consecutive bases within chr15:42,970,546-42,970,555 gives the same sequence; the c. name uses the placement nearest the transcript's 3' end. VCF-style (leftmost placement, unchanged base first): chr15-42970545-CAAAG-C. GRCh37 (hg19) VCF-style: chr15-43262743-CAAAG-C.
Other names: short protein forms F1476fs.
Identifiers: ClinVar variation 4992562 (VCV004992562.1).

ClinVar aggregate classification (germline): Likely pathogenic (1 of 4 stars; one submission).

Conditions:
UBR1-related disorder. Also called: UBR1-related condition.

Submission:

PreventionGenetics, part of Exact Sciences
Classification: Likely pathogenic for UBR1-related condition. Last evaluated: 2026-04-17. Review status: criteria provided, single submitter. Criteria: ACMG Guidelines, 2015. Collection method: clinical testing. Allele origin: germline.
Comment: The UBR1 c.4428_4431delCTTT variant is predicted to result in a frameshift and premature protein termination (p.Phe1476Leufs*25). To our knowledge, this variant has not been reported in the literature. This variant is reported in 0.0062% of alleles in individuals of African descent in gnomAD. Frameshift variants in UBR1 are expected to be pathogenic. This variant is interpreted as likely pathogenic.